The following is an entry in ClinVar:

NM_001009944.3(PKD1):c.12132C>T (p.Ala4044=)

Gene: PKD1 (polycystin 1, transient receptor potential channel interacting; minus strand). Cytogenetic location: 16p13.3.
Variant type: single nucleotide variant.
Coding change: c.12132C>T on transcript NM_001009944.3 (MANE Select); coding-DNA position 12132, C replaced by T.
Protein change: p.Ala4044=; no amino-acid change (alanine 4044 retained).
Molecular consequence: synonymous variant.
Genome position (GRCh38, 1-based): chr16:2,090,680, G>A on the plus strand (C>T on the coding strand, the complement: PKD1 is on the minus strand). VCF-style: chr16-2090680-G-A. GRCh37 (hg19) VCF-style: chr16-2140681-G-A.
Other names: c.12129C>T, p.Ala4043= (NM_000296.4).
Identifiers: ClinVar variation 997161 (VCV000997161.1), dbSNP rs1804177, ClinGen allele CA276764492.

ClinVar aggregate classification (germline): Likely benign (0 of 4 stars; one submission).

Conditions:
Polycystic kidney disease. Also called: Polycystic kidney dysplasia; Kidney, Polycystic. Identifiers: MedGen C0022680, MeSH D007690, MONDO:0020642, HP:0000113.

Allele frequency attached by ClinVar (database versions not stated): TOPMed below 0.00001.
gnomAD v4.1: 12 of 1,612,118 alleles (0.00074%); highest among the groups gnomAD compares: African/African-American, 0.0027%; no homozygotes.

Submission:

Department of Pathology and Laboratory Medicine, Sinai Health System
Classification: Likely benign for Polycystic Kidney disease. Review status: no assertion criteria provided. Collection method: clinical testing. Allele origin: unknown. Affected: yes. Study: The Canadian Open Genetics Repository (COGR).
Comment: The PKD1 p.Ala4044= variant was not identified in the literature nor was it identified in the ClinVar, LOVD 3.0, ADPKD Mutation Database, and PKD1-LOVD databases. The variant was identified in dbSNP (ID: rs1804177) as â€šÃ„ÃºNAâ€šÃ„Ã¹. The variant was identified in control databases in 1 of 242430 chromosomes at a frequency of 0.000004 (Genome Aggregation Database Feb 27, 2017), observed in the following populations: African in 1 of 14994 chromosomes (freq: 0.00007), while not observed in the Other, Latino, European Non-Finnish, Ashkenazi Jewish, East Asian, European Finnish, and South Asian populations. The p.Ala4044= variant is not expected to have clinical significance because it does not result in a change of amino acid and is not located in a known consensus splice site. In addition, the c.12132C is not highly conserved and nucleotide in silico or computational prediction software programs (SpliceSiteFinder, MaxEntScan, NNSPLICE, GeneSplicer) do not predict a difference in splicing. In summary, based on the above information the clinical significance of this variant cannot be determined with certainty at this time although we would lean towards a more benign role for this variant. This variant is classified as likely benign.